The following is an entry in ClinVar:

NM_006231.4(POLE):c.907C>T (p.Gln303Ter)

Gene: POLE (DNA polymerase epsilon, catalytic subunit; minus strand). Cytogenetic location: 12q24.33.
Variant type: single nucleotide variant.
Coding change: c.907C>T on transcript NM_006231.4 (MANE Select); coding-DNA position 907, C replaced by T.
Protein change: p.Gln303Ter; replaces glutamine 303 with a stop codon.
Molecular consequence: nonsense.
Genome position (GRCh38, 1-based): chr12:132,676,548, G>A on the plus strand (C>T on the coding strand, the complement: POLE is on the minus strand). VCF-style: chr12-132676548-G-A. GRCh37 (hg19) VCF-style: chr12-133253134-G-A.
Other names: short protein forms Q303*.
Identifiers: ClinVar variation 473841 (VCV000473841.19), dbSNP rs749117997, ClinGen allele CA6894152.

ClinVar aggregate classification (germline): Conflicting classifications of pathogenicity. Review status: criteria provided, conflicting classifications (1 of 4 stars). 4 submissions from 4 submitters: Pathogenic (1); Likely pathogenic (1); Uncertain significance (2). Last evaluated 2025-10-14.

Conditions:
Facial dysmorphism-immunodeficiency-livedo-short stature syndrome. Also called: Facial dysmorphism, immunodeficiency, livedo, and short stature; FILS syndrome. Identifiers: Orphanet 352712, MedGen C3554576, MONDO:0014058, OMIM 615139.
Intrauterine growth retardation, metaphyseal dysplasia, adrenal hypoplasia congenita, genital anomalies, and immunodeficiency. Also called: IMAGEI SYNDROME. Identifiers: MedGen C5193036, MONDO:0032684, OMIM 618336.
Colorectal cancer, susceptibility to, 12 (CRCS12). Also called: COLORECTAL CANCER, SUSCEPTIBILITY TO, ON CHROMOSOME 12q24. Identifiers: Orphanet 220460, MedGen C3554460, MONDO:0014038, OMIM 615083.
Hereditary cancer-predisposing syndrome. Also called: Neoplastic Syndromes, Hereditary; Tumor predisposition; Hereditary Cancer Syndrome; Hereditary neoplastic syndrome. Identifiers: Orphanet 140162, MedGen C0027672, MeSH D009386, MONDO:0015356.

Allele frequency attached by ClinVar (database versions not stated): gnomAD exomes below 0.00001 and 0.00001; TOPMed 0.00001; ExAC 0.00002.
gnomAD v4.1: 1 of 1,607,424 alleles (0.000062%); highest among the groups gnomAD compares: African/African-American, 0.0013%; no homozygotes.

Submissions (5):

Ambry Genetics
Classification: Uncertain significance for Hereditary cancer-predisposing syndrome. Last evaluated: 2025-10-14. Review status: criteria provided, single submitter. Criteria: Ambry Variant Classification Scheme 2023. Collection method: clinical testing. Allele origin: germline.
Comment: The p.Q303* variant (also known as c.907C>T), located in coding exon 9 of the POLE gene, results from a C to T substitution at nucleotide position 907. This changes the amino acid from a glutamine to a stop codon within coding exon 9. This alteration is expected to result in loss of function by premature protein truncation or nonsense-mediated mRNA decay. Although biallelic loss of function of POLE has been associated with autosomal recessive POLE deficiency, haploinsufficiency of POLE has not been established as a mechanism of disease for POLE-related polymerase proofreading-associated polyposis (PPAP) and POLE-related CMMRD-like syndrome. Based on the supporting evidence, this variant is expected to be causative of POLE deficiency when present along with a second pathogenic variant on the other allele; however, its clinical significance for PPAP and POLE-related CMMRD-like syndrome is unclear/unlikely.

Labcorp Genetics (formerly Invitae), Labcorp
Classification: Pathogenic. Last evaluated: 2025-05-21. Review status: criteria provided, single submitter. Criteria: Invitae Variant Classification Sherloc (09022015). Collection method: clinical testing. Allele origin: germline.
Comment: This sequence change creates a premature translational stop signal (p.Gln303*) in the POLE gene. It is expected to result in an absent or disrupted protein product. Loss-of-function variants in POLE are known to be pathogenic (PMID: 23230001, 25948378, 30503519). This variant is present in population databases (rs749117997, gnomAD 0.01%). This variant has not been reported in the literature in individuals affected with POLE-related conditions. ClinVar contains an entry for this variant (Variation ID: 473841). For these reasons, this variant has been classified as Pathogenic.

Fulgent Genetics
Classification: Uncertain significance for Colorectal cancer, susceptibility to, 12; Facial dysmorphism-immunodeficiency-livedo-short stature syndrome; Intrauterine growth retardation, metaphyseal dysplasia, adrenal hypoplasia congenita, genital anomalies, and immunodeficiency. Last evaluated: 2024-04-25. Review status: criteria provided, single submitter. Criteria: ACMG Guidelines, 2015. Collection method: clinical testing. Allele origin: germline.

GeneDx
Classification: Likely pathogenic. Last evaluated: 2023-06-06. Review status: criteria provided, single submitter. Criteria: GeneDx Variant Classification Process June 2021. Collection method: clinical testing. Allele origin: germline. Affected: yes.
Comment: Nonsense variant predicted to result in protein truncation or nonsense mediated decay in a gene for which loss of function is a known mechanism of disease; Not observed at significant frequency in large population cohorts (gnomAD); Observed in an individual with endometrial cancer (Huang et al., 2018); This variant is associated with the following publications: (PMID: 29625052, 25948378, 23230001, 30503519)

Dr. Peter K. Rogan Lab, Western University
No classification provided (evidence only). Condition: Uterine corpus endometrial carcinoma. Review status: no classification provided. Collection method: in vitro. Allele origin: not applicable. Functional consequence: retained intron. Not counted in ClinVar's aggregate classification.

Literature cited by the submitters: PubMed 23230001 (cited by Labcorp Genetics (formerly Invitae), Labcorp); PubMed 25948378 (cited by Labcorp Genetics (formerly Invitae), Labcorp); PubMed 30503519 (cited by Labcorp Genetics (formerly Invitae), Labcorp).